The following is an entry in ClinVar:

NM_198721.4(COL25A1):c.367+82225_367+82226insAAAAAAAAAAAAAAAACAAAC

Gene: COL25A1 (collagen type XXV alpha 1 chain; minus strand). Cytogenetic location: 4q25.
Variant type: Microsatellite.
Coding change: c.367+82225_367+82226insAAAAAAAAAAAAAAAACAAAC on transcript NM_198721.4 (MANE Select); bases 82225 to 82226 of the intron after coding-DNA position 367, AAAAAAAAAAAAAAAACAAAC inserted.
Molecular consequence: intron variant.
Genome position: GRCh38 VCF-style: chr4-109218357-G-GTTTTTTTTTTGTTTGTTTTTT. GRCh37 (hg19) VCF-style: chr4-110139513-G-GTTTTTTTTTTGTTTGTTTTTT.
Other names: c.367+82225_367+82226insAAAAAAAAAAAAAAAACAAAC (NM_032518.4, NM_001256074.3).
Identifiers: ClinVar variation 4281239 (VCV004281239.7).
Genomic context (GRCh38, chr4:109,218,357, plus strand): 5'-ATTAATGGAAAGTGTTACTAAATACTAAAATTCTGCAGAATCAATTGCTGGTTTTTTGGG[G>GTTTTTTTTTTGTTTGTTTTTT]TTTTTTTTTTTTTTTTTTTTTTTTTGCTTTTGAACTACACTTACTCTCCATGGCAGCTTA-3'

ClinVar aggregate classification (germline): Likely benign (1 of 4 stars; one submission).

Submission:

CeGaT Center for Human Genetics Tuebingen
Classification: Likely benign. Last evaluated: 2026-09-01. Review status: criteria provided, single submitter. Criteria: CeGaT Center For Human Genetics Tuebingen Variant Classification Criteria Version 2. Collection method: clinical testing. Allele origin: germline. Affected: yes. Observed: 7 variant alleles.
Comment: COL25A1: BS2